The following is an entry in ClinVar:

ClinVar aggregate classification (germline): Uncertain significance (1 of 4 stars; one submission).

Conditions:
Cardiomyopathy (CMYO). Also called: Cardiomyopathies. Identifiers: Orphanet 167848, MedGen C0878544, MONDO:0004994, HP:0001638. Inheritance: Various modes of inheritance.

gnomAD v4.1: 2 of 1,613,386 alleles (0.00012%); highest among the groups gnomAD compares: East Asian, 0.0022%; no homozygotes.

Submission:

Color Diagnostics, LLC DBA Color Health
Classification: Uncertain significance for Cardiomyopathy. Last evaluated: 2025-09-08. Review status: criteria provided, single submitter. Criteria: ACMG Guidelines, 2015. Collection method: clinical testing. Allele origin: germline.
Comment: This missense variant replaces histidine with tyrosine at codon 351 of the DSC2 protein. Computational prediction suggests that this variant may not impact protein structure and function. To our knowledge, functional studies have not been reported for this variant. This variant has not been reported in individuals affected with DSC2-related disorders in the literature. This variant has been identified in 1/251064 chromosomes in the general population by the Genome Aggregation Database (gnomAD). The available evidence is insufficient to determine the role of this variant in disease conclusively. Therefore, this variant is classified as a Variant of Uncertain Significance.

NM_024422.6(DSC2):c.1051C>T (p.His351Tyr)

Gene: DSC2 (desmocollin 2; minus strand). Cytogenetic location: 18q12.1.
Variant type: single nucleotide variant.
Coding change: c.1051C>T on transcript NM_024422.6 (MANE Select); coding-DNA position 1051, C replaced by T.
Protein change: p.His351Tyr; replaces histidine 351 with tyrosine.
Molecular consequence: missense variant.
Genome position (GRCh38, 1-based): chr18:31,082,952, G>A on the plus strand (C>T on the coding strand, the complement: DSC2 is on the minus strand). VCF-style: chr18-31082952-G-A. GRCh37 (hg19) VCF-style: chr18-28662918-G-A.
Other names: c.622C>T, p.His208Tyr (NM_001406506.1, NM_001406507.1); c.1051C>T, p.His351Tyr (NM_004949.5); short protein forms H208Y, H351Y.
Identifiers: ClinVar variation 4757869 (VCV004757869.1).